The following is an entry in ClinVar:

ClinVar aggregate classification (germline): Uncertain significance. Review status: criteria provided, multiple submitters, no conflicts (2 of 4 stars). 4 submissions from 4 submitters: Uncertain significance (4). Last evaluated 2025-11-25.

Conditions:
Walker-Warburg congenital muscular dystrophy. Also called: Muscular dystrophy-dystroglycanopathy, type A; Walker-Warburg syndrome. Identifiers: Orphanet 899, MedGen C0265221, MONDO:0000171.
Cardiovascular phenotype. Identifiers: MedGen CN230736.

Allele frequency attached by ClinVar (database versions not stated): gnomAD exomes 0.00001.
gnomAD v4.1: 13 of 1,517,714 alleles (0.00086%); highest among the groups gnomAD compares: Non-Finnish European, 0.0011%; no homozygotes.

Submissions (4):

Women's Health and Genetics/Laboratory Corporation of America, LabCorp
Classification: Uncertain significance. Last evaluated: 2025-11-25. Review status: criteria provided, single submitter. Criteria: LabCorp Variant Classification Summary - May 2015. Collection method: clinical testing. Allele origin: germline.

Ambry Genetics
Classification: Uncertain significance for Cardiovascular phenotype. Last evaluated: 2025-05-02. Review status: criteria provided, single submitter. Criteria: Ambry Variant Classification Scheme 2023. Collection method: clinical testing. Allele origin: germline.
Comment: The p.R116C variant (also known as c.346C>T), located in coding exon 1 of the FKRP gene, results from a C to T substitution at nucleotide position 346. The arginine at codon 116 is replaced by cysteine, an amino acid with highly dissimilar properties. This amino acid position is conserved. In addition, the in silico prediction for this alteration is inconclusive. Since supporting evidence is limited at this time, the clinical significance of this alteration remains unclear.

GeneDx
Classification: Uncertain significance. Last evaluated: 2024-09-16. Review status: criteria provided, single submitter. Criteria: GeneDx Variant Classification Process June 2021. Collection method: clinical testing. Allele origin: germline. Affected: yes.
Comment: Not observed at significant frequency in large population cohorts (gnomAD); Missense variants in this gene are a common cause of disease and they are underrepresented in the general population; In silico analysis indicates that this missense variant does not alter protein structure/function; Has not been previously published as pathogenic or benign to our knowledge; This variant is associated with the following publications: (PMID: 27439679)

Labcorp Genetics (formerly Invitae), Labcorp
Classification: Uncertain significance for Walker-Warburg congenital muscular dystrophy. Last evaluated: 2022-03-28. Review status: criteria provided, single submitter. Criteria: Invitae Variant Classification Sherloc (09022015). Collection method: clinical testing. Allele origin: germline.
Comment: This sequence change replaces arginine, which is basic and polar, with cysteine, which is neutral and slightly polar, at codon 116 of the FKRP protein (p.Arg116Cys). The frequency data for this variant in the population databases is considered unreliable, as metrics indicate poor data quality at this position in the gnomAD database. This variant has not been reported in the literature in individuals affected with FKRP-related conditions. Algorithms developed to predict the effect of missense changes on protein structure and function are either unavailable or do not agree on the potential impact of this missense change (SIFT: "Deleterious"; PolyPhen-2: "Possibly Damaging"; Align-GVGD: "Class C0"). In summary, the available evidence is currently insufficient to determine the role of this variant in disease. Therefore, it has been classified as a Variant of Uncertain Significance.

NM_024301.5(FKRP):c.346C>T (p.Arg116Cys)

Gene: FKRP (fukutin related protein; plus strand). Cytogenetic location: 19q13.32.
Variant type: single nucleotide variant.
Coding change: c.346C>T on transcript NM_024301.5 (MANE Select); coding-DNA position 346, C replaced by T.
Protein change: p.Arg116Cys; replaces arginine 116 with cysteine.
Molecular consequence: missense variant.
Genome position (GRCh38, 1-based): chr19:46,755,796, C>T. VCF-style: chr19-46755796-C-T. GRCh37 (hg19) VCF-style: chr19-47259053-C-T.
Other names: c.346C>T, p.Arg116Cys (NM_001039885.3); c.346C>T (NM_024301.4); short protein forms R116C.
Identifiers: ClinVar variation 1965600 (VCV001965600.8), dbSNP rs1208578569, ClinGen allele CA406495145.